The following is an entry in ClinVar:

NM_133433.4(NIPBL):c.3665-279C>A

Gene: NIPBL (NIPBL cohesin loading factor; plus strand). Cytogenetic location: 5p13.2.
Variant type: single nucleotide variant.
Coding change: c.3665-279C>A on transcript NM_133433.4 (MANE Select); 279 bases into the intron before coding-DNA position 3665, C replaced by A.
Molecular consequence: intron variant.
Genome position (GRCh38, 1-based): chr5:37,002,383, C>A. VCF-style: chr5-37002383-C-A. GRCh37 (hg19) VCF-style: chr5-37002485-C-A.
Other names: c.3665-279C>A (NM_001438586.1, NM_015384.5).
Identifiers: ClinVar variation 4293749 (VCV004293749.1).

ClinVar aggregate classification (germline): Uncertain significance (1 of 4 stars; one submission).

Conditions:
Cornelia de Lange syndrome 1 (CDLS1). Also called: NIPBL-Related Cornelia de Lange Syndrome; TYPUS DEGENERATIVUS AMSTELODAMENSIS; Brachmann de Lange syndrome. Identifiers: Orphanet 199, MedGen C4551851, MONDO:0007387, OMIM 122470.

Submission:

3billion
Classification: Uncertain significance for Cornelia de Lange syndrome 1. Last evaluated: 2024-07-05. Review status: criteria provided, single submitter. Criteria: ACMG Guidelines, 2015. Collection method: clinical testing. Allele origin: germline. Affected: yes.
Comment: The variant is not observed in the gnomAD v4.0.0 dataset. Predicted Consequence/Location: Intron variant In silico tools predict the variant to alter splicing and produce an abnormal transcript [SpliceAI: 0.92 (>=0.2, moderate evidence for spliceogenicity)]. Therefore, this variant is classified as VUS according to the recommendation of ACMG/AMP guideline.